The following is an entry in ClinVar:

ClinVar aggregate classification (germline): Uncertain significance (1 of 4 stars; one submission).

Conditions:
Lymphoproliferative syndrome 1 (LPFS1). Identifiers: Orphanet 238505, Orphanet 538963, MedGen C3552634, MONDO:0013081, OMIM 613011.

Submission:

Labcorp Genetics (formerly Invitae), Labcorp
Classification: Uncertain significance for Lymphoproliferative syndrome 1. Last evaluated: 2022-09-01. Review status: criteria provided, single submitter. Criteria: Invitae Variant Classification Sherloc (09022015). Collection method: clinical testing. Allele origin: germline.
Comment: This sequence change replaces serine, which is neutral and polar, with asparagine, which is neutral and polar, at codon 553 of the ITK protein (p.Ser553Asn). This variant is not present in population databases (gnomAD no frequency). This variant has not been reported in the literature in individuals affected with ITK-related conditions. ClinVar contains an entry for this variant (Variation ID: 576436). Advanced modeling of protein sequence and biophysical properties (such as structural, functional, and spatial information, amino acid conservation, physicochemical variation, residue mobility, and thermodynamic stability) performed at Invitae indicates that this missense variant is not expected to disrupt ITK protein function. In summary, the available evidence is currently insufficient to determine the role of this variant in disease. Therefore, it has been classified as a Variant of Uncertain Significance.

NM_005546.4(ITK):c.1658G>A (p.Ser553Asn)

Gene: ITK (IL2 inducible T cell kinase; plus strand). Cytogenetic location: 5q33.3.
Variant type: single nucleotide variant.
Coding change: c.1658G>A on transcript NM_005546.4 (MANE Select); coding-DNA position 1658, G replaced by A.
Protein change: p.Ser553Asn; replaces serine 553 with asparagine.
Molecular consequence: missense variant.
Genome position (GRCh38, 1-based): chr5:157,248,874, G>A. VCF-style: chr5-157248874-G-A. GRCh37 (hg19) VCF-style: chr5-156675884-G-A.
Other names: short protein forms S553N.
Identifiers: ClinVar variation 576436 (VCV000576436.7), dbSNP rs1561666191, ClinGen allele CA361962899.